The following is an entry in ClinVar:

NM_003924.4(PHOX2B):c.779C>T (p.Ala260Val)

Gene: PHOX2B (paired like homeobox 2B; minus strand). Cytogenetic location: 4p13.
Variant type: single nucleotide variant.
Coding change: c.779C>T on transcript NM_003924.4 (MANE Select); coding-DNA position 779, C replaced by T.
Protein change: p.Ala260Val; replaces alanine 260 with valine.
Molecular consequence: missense variant.
Genome position (GRCh38, 1-based): chr4:41,745,973, G>A on the plus strand (C>T on the coding strand, the complement: PHOX2B is on the minus strand). VCF-style: chr4-41745973-G-A. GRCh37 (hg19) VCF-style: chr4-41747990-G-A.
Other names: short protein forms A260V.
Identifiers: ClinVar variation 406410 (VCV000406410.12), dbSNP rs1060501125, ClinGen allele CA16611539.

ClinVar aggregate classification (germline): Uncertain significance. Review status: criteria provided, multiple submitters, no conflicts (2 of 4 stars). 3 submissions from 3 submitters: Uncertain significance (3). Last evaluated 2025-02-22.

Conditions:
Hereditary cancer-predisposing syndrome. Also called: Hereditary Cancer Syndrome; Hereditary neoplastic syndrome; Neoplastic Syndromes, Hereditary; Tumor predisposition. Identifiers: Orphanet 140162, MedGen C0027672, MeSH D009386, MONDO:0015356.
Haddad syndrome (OHD). Also called: Ondine-Hirschsprung disease. Identifiers: Orphanet 99803, MedGen C1859049, MONDO:0020493.

Submissions (3):

Ambry Genetics
Classification: Uncertain significance for Hereditary cancer-predisposing syndrome. Last evaluated: 2025-02-22. Review status: criteria provided, single submitter. Criteria: Ambry Variant Classification Scheme 2023. Collection method: clinical testing. Allele origin: germline.
Comment: The p.A260V variant (also known as c.779C>T), located in coding exon 3 of the PHOX2B gene, results from a C to T substitution at nucleotide position 779. The alanine at codon 260 is replaced by valine, an amino acid with similar properties. This amino acid position is conserved. In addition, this alteration is predicted to be tolerated by in silico analysis. Based on the available evidence, the clinical significance of this variant remains unclear.

GeneDx
Classification: Uncertain significance. Last evaluated: 2022-10-12. Review status: criteria provided, single submitter. Criteria: GeneDx Variant Classification Process June 2021. Collection method: clinical testing. Allele origin: germline. Affected: yes.
Comment: Not observed at significant frequency in large population cohorts (gnomAD); In silico analysis supports that this missense variant does not alter protein structure/function; Has not been previously published as pathogenic or benign to our knowledge

Labcorp Genetics (formerly Invitae), Labcorp
Classification: Uncertain significance for Haddad syndrome. Last evaluated: 2016-06-10. Review status: criteria provided, single submitter. Criteria: Invitae Variant Classification Sherloc (09022015). Collection method: clinical testing. Allele origin: germline.
Comment: In summary, this variant is a novel missense change with uncertain impact on protein function. It has been classified as a Variant of Uncertain Significance. Algorithms developed to predict the effect of missense changes on protein structure and function do not agree on the potential impact of this missense change (SIFT: "Deleterious"; PolyPhen-2: "Benign"; Align-GVGD: "Class C0"). This sequence change replaces alanine with valine at codon 260 of the PHOX2B protein (p.Ala260Val). The alanine residue is moderately conserved and there is a small physicochemical difference between alanine and valine. This variant is not present in population databases (ExAC no frequency) and has not been reported in the literature in individuals with a PHOX2B-related disease.